The following is an entry in ClinVar:

ClinVar aggregate classification (germline): Uncertain significance (1 of 4 stars; one submission).

Conditions:
Kleefstra syndrome 1 (KLEFS1). Identifiers: Orphanet 261494, MedGen C0795833, MONDO:0027407, OMIM 610253.

Submission:

Labcorp Genetics (formerly Invitae), Labcorp
Classification: Uncertain significance for Kleefstra syndrome 1. Last evaluated: 2023-06-23. Review status: criteria provided, single submitter. Criteria: Invitae Variant Classification Sherloc (09022015). Collection method: clinical testing. Allele origin: germline.
Comment: In summary, the available evidence is currently insufficient to determine the role of this variant in disease. Therefore, it has been classified as a Variant of Uncertain Significance. Advanced modeling of protein sequence and biophysical properties (such as structural, functional, and spatial information, amino acid conservation, physicochemical variation, residue mobility, and thermodynamic stability) performed at Invitae indicates that this missense variant is not expected to disrupt EHMT1 protein function. This variant has not been reported in the literature in individuals affected with EHMT1-related conditions. This variant is not present in population databases (gnomAD no frequency). This sequence change replaces glutamic acid, which is acidic and polar, with glycine, which is neutral and non-polar, at codon 384 of the EHMT1 protein (p.Glu384Gly).

NM_024757.5(EHMT1):c.1151A>G (p.Glu384Gly)

Gene: EHMT1 (euchromatic histone lysine methyltransferase 1; plus strand). Cytogenetic location: 9q34.3.
Variant type: single nucleotide variant.
Coding change: c.1151A>G on transcript NM_024757.5 (MANE Select); coding-DNA position 1151, A replaced by G.
Protein change: p.Glu384Gly; replaces glutamic acid 384 with glycine.
Molecular consequence: missense variant.
Genome position (GRCh38, 1-based): chr9:137,744,071, A>G. VCF-style: chr9-137744071-A-G. GRCh37 (hg19) VCF-style: chr9-140638523-A-G.
Other names: c.1151A>G, p.Glu384Gly (NM_001145527.2, NM_001354611.2); c.1058A>G, p.Glu353Gly (NM_001354259.2, NM_001354612.2); c.1130A>G, p.Glu377Gly (NM_001354263.2); short protein forms E353G, E377G, E384G.
Identifiers: ClinVar variation 2726774 (VCV002726774.3), dbSNP rs2541620298, ClinGen allele CA375779994.